The following is an entry in ClinVar:

NM_001007792.1(NTRK1):c.1A>C (p.Met1Leu)

Genes: NTRK1 (neurotrophic receptor tyrosine kinase 1; plus strand), SH2D2A (SH2 domain containing 2A; minus strand). Cytogenetic location: 1q23.1.
Variant type: single nucleotide variant.
Coding change: c.1A>C on transcript NM_001007792.1; coding-DNA position 1, A replaced by C.
Protein change: p.Met1Leu; changes the start codon (methionine 1).
Molecular consequence: missense variant, initiator codon variant. On other transcripts: intron variant (5).
Genome position (GRCh38, 1-based): chr1:156,815,830, A>C. VCF-style: chr1-156815830-A-C. GRCh37 (hg19) VCF-style: chr1-156785622-A-C.
Other names: c.69+176T>G (NM_001161442.2); c.123+176T>G (NM_003975.4, NM_001161441.2, NM_001161444.2); c.39+176T>G (NM_001161443.2); short protein forms M1L.
Identifiers: ClinVar variation 4281492 (VCV004281492.7).

ClinVar aggregate classification (germline): Uncertain significance (1 of 4 stars; one submission).

gnomAD v4.1: 1 of 1,614,168 alleles (0.000062%); highest among the groups gnomAD compares: Non-Finnish European, 0.000085%; no homozygotes.

Submission:

CeGaT Center for Human Genetics Tuebingen
Classification: Uncertain significance. Last evaluated: 2025-09-01. Review status: criteria provided, single submitter. Criteria: CeGaT Center For Human Genetics Tuebingen Variant Classification Criteria Version 2. Collection method: clinical testing. Allele origin: germline. Affected: yes. Observed: 1 variant allele.
Comment: NTRK1: PM2, BP2